The following is an entry in ClinVar:

NM_001372051.1(CASP8):c.*845T>A

Gene: CASP8 (caspase 8; plus strand). Cytogenetic location: 2q33.1.
Variant type: single nucleotide variant.
Coding change: c.*845T>A on transcript NM_001372051.1 (MANE Select); 845 bases downstream of the stop codon, T replaced by A.
Molecular consequence: 3 prime UTR variant. On other transcripts: non-coding transcript variant (22).
Genome position (GRCh38, 1-based): chr2:201,287,439, T>A. VCF-style: chr2-201287439-T-A. GRCh37 (hg19) VCF-style: chr2-202152162-T-A.
Other names: c.*845T>A (NM_001080124.2, NM_001080125.2, NM_001228.5 and 35 more transcripts).
Identifiers: ClinVar variation 333525 (VCV000333525.6), dbSNP rs13113, ClinGen allele CA10613812.

ClinVar aggregate classification (germline): Benign. Review status: criteria provided, multiple submitters, no conflicts (2 of 4 stars). 2 submissions from 2 submitters: Benign (2). Last evaluated 2018-01-12.

Conditions:
Autoimmune lymphoproliferative syndrome type 2B. Also called: AUTOIMMUNE LYMPHOPROLIFERATIVE SYNDROME, TYPE IIB. Identifiers: Orphanet 275517, MedGen C1846545, MONDO:0011804, OMIM 607271.

Allele frequency attached by ClinVar (database versions not stated): 1000 Genomes Project 30x 0.31512; TOPMed 0.31780; 1000 Genomes Project 0.32328; gnomAD 0.33069 and 0.33528; gnomAD exomes 0.34890.
gnomAD v4.1: 51,843 of 154,542 alleles (34%); highest among the groups gnomAD compares: East Asian, 48%; 10,304 homozygotes.

Submissions (2):

Illumina Laboratory Services, Illumina
Classification: Benign for Autoimmune lymphoproliferative syndrome type 2B. Last evaluated: 2018-01-12. Review status: criteria provided, single submitter. Criteria: ICSL Variant Classification Criteria 13 December 2019. Collection method: clinical testing. Allele origin: germline.
Comment: This variant was observed in the ICSL laboratory as part of a predisposition screen in an ostensibly healthy population. It had not been previously curated by ICSL or reported in the Human Gene Mutation Database (HGMD: prior to June 1st, 2018), and was therefore a candidate for classification through an automated scoring system. Utilizing variant allele frequency, disease prevalence and penetrance estimates, and inheritance mode, an automated score was calculated to assess if this variant is too frequent to cause the disease. Based on the score and internal cut-off values, a variant classified as benign is not then subjected to further curation. The score for this variant resulted in a classification of benign for this disease.

Breakthrough Genomics
Classification: Benign. Review status: criteria provided, single submitter. Criteria: ACMG Guidelines, 2015. Collection method: not provided. Allele origin: germline. Inheritance: Autosomal recessive inheritance. Affected: yes.